The following is an entry in ClinVar:

NM_006118.4(HAX1):c.358C>T (p.Arg120Trp)

Gene: HAX1 (HCLS1 associated protein X-1; plus strand). Cytogenetic location: 1q21.3.
Variant type: single nucleotide variant.
Coding change: c.358C>T on transcript NM_006118.4 (MANE Select); coding-DNA position 358, C replaced by T.
Protein change: p.Arg120Trp; replaces arginine 120 with tryptophan.
Molecular consequence: missense variant.
Genome position (GRCh38, 1-based): chr1:154,273,815, C>T. VCF-style: chr1-154273815-C-T. GRCh37 (hg19) VCF-style: chr1-154246291-C-T.
Other names: c.214C>T, p.Arg72Trp (NM_001018837.2); short protein forms R120W, R72W.
Identifiers: ClinVar variation 292705 (VCV000292705.8), dbSNP rs886045320, ClinGen allele CA10608259.

ClinVar aggregate classification (germline): Uncertain significance. Review status: criteria provided, multiple submitters, no conflicts (2 of 4 stars). 4 submissions from 4 submitters: Uncertain significance (4). Last evaluated 2024-11-21.

Conditions:
Inborn genetic diseases. Identifiers: MedGen C0950123, MeSH D030342.
Kostmann syndrome (SCN3). Also called: KOSTMANN DISEASE; Autosomal recessive severe congenital neutropenia type 3. Identifiers: Orphanet 99749, MedGen C5235141, MONDO:0012548, OMIM 610738.

Allele frequency attached by ClinVar (database versions not stated): gnomAD exomes 0.00001 and 0.00002.

Submissions (4):

Ambry Genetics
Classification: Uncertain significance for Inborn genetic diseases. Last evaluated: 2024-11-21. Review status: criteria provided, single submitter. Criteria: Ambry Variant Classification Scheme 2023. Collection method: clinical testing. Allele origin: germline.
Comment: The p.R120W variant (also known as c.358C>T), located in coding exon 3 of the HAX1 gene, results from a C to T substitution at nucleotide position 358. The arginine at codon 120 is replaced by tryptophan, an amino acid with dissimilar properties. This amino acid position is conserved. In addition, this alteration is predicted to be tolerated by in silico analysis. Based on the available evidence, the clinical significance of this variant remains unclear.

Blueprint Genetics
Classification: Uncertain significance. Last evaluated: 2024-07-10. Review status: criteria provided, single submitter. Criteria: ACMG Guidelines, 2015. Collection method: clinical testing. Allele origin: germline.

Labcorp Genetics (formerly Invitae), Labcorp
Classification: Uncertain significance for Kostmann syndrome. Last evaluated: 2021-08-30. Review status: criteria provided, single submitter. Criteria: Invitae Variant Classification Sherloc (09022015). Collection method: clinical testing. Allele origin: germline.
Comment: This sequence change replaces arginine with tryptophan at codon 120 of the HAX1 protein (p.Arg120Trp). The arginine residue is moderately conserved and there is a moderate physicochemical difference between arginine and tryptophan. This variant is not present in population databases (ExAC no frequency). This variant has not been reported in the literature in individuals affected with HAX1-related conditions. ClinVar contains an entry for this variant (Variation ID: 292705). Algorithms developed to predict the effect of missense changes on protein structure and function are either unavailable or do not agree on the potential impact of this missense change (SIFT: "Deleterious"; PolyPhen-2: "Possibly Damaging"; Align-GVGD: "Class C0"). In summary, the available evidence is currently insufficient to determine the role of this variant in disease. Therefore, it has been classified as a Variant of Uncertain Significance.

Illumina Laboratory Services, Illumina
Classification: Uncertain significance for Kostmann syndrome. Last evaluated: 2018-01-13. Review status: criteria provided, single submitter. Criteria: ICSL Variant Classification Criteria 13 December 2019. Collection method: clinical testing. Allele origin: germline.